The following is an entry in ClinVar:

NM_002474.3(MYH11):c.4919G>A (p.Arg1640Lys)

Genes: MYH11 (myosin heavy chain 11; minus strand), NDE1 (nudE neurodevelopment protein 1; plus strand). Cytogenetic location: 16p13.11.
Variant type: single nucleotide variant.
Coding change: c.4919G>A on transcript NM_002474.3 (MANE Select); coding-DNA position 4919, G replaced by A.
Protein change: p.Arg1640Lys; replaces arginine 1640 with lysine.
Molecular consequence: missense variant. On other transcripts: intron variant (2).
Genome position (GRCh38, 1-based): chr16:15,720,185, C>T on the plus strand (G>A on the coding strand, the complement: MYH11 is on the minus strand). VCF-style: chr16-15720185-C-T. GRCh37 (hg19) VCF-style: chr16-15814042-C-T.
Other names: c.4940G>A, p.Arg1647Lys (NM_001040113.2, NM_001040114.2); c.4919G>A, p.Arg1640Lys (NM_022844.3); c.948-4006C>T (NM_001143979.2, NM_017668.3); short protein forms R1640K, R1647K.
Identifiers: ClinVar variation 3685794 (VCV003685794.2).
Genomic context (GRCh38, chr16:15,720,185, plus strand): 5'-TGCCCCAAGCTCCTAGTGTCACCCACCTGCAGTTTGCGTAGCTGCTTGATGGCTTCCTCC[C>T]TCCCCTTGATGGCAGAGTCGGCCTGAAGCTCCAGGTCTTTCAGGTCCCCTTCCAGCTTCT-3'
Protein context (NP_002465.1, residues 1630-1650): ELQADSAIKG[Arg1640Lys]EEAIKQLRKL

ClinVar aggregate classification (germline): Uncertain significance (1 of 4 stars; one submission).

Conditions:
Aortic aneurysm, familial thoracic 4 (AAT4). Also called: AORTIC ANEURYSM/AORTIC DISSECTION AND PATENT DUCTUS ARTERIOSUS. Identifiers: MedGen C1851504, MONDO:0007568, OMIM 132900.

gnomAD v4.1: 2 of 1,614,154 alleles (0.00012%); highest among the groups gnomAD compares: South Asian, 0.0022%; no homozygotes.

Submission:

Labcorp Genetics (formerly Invitae), Labcorp
Classification: Uncertain significance for Aortic aneurysm, familial thoracic 4. Last evaluated: 2024-09-10. Review status: criteria provided, single submitter. Criteria: Invitae Variant Classification Sherloc (09022015). Collection method: clinical testing. Allele origin: germline.
Comment: This sequence change replaces arginine, which is basic and polar, with lysine, which is basic and polar, at codon 1647 of the MYH11 protein (p.Arg1647Lys). This variant is present in population databases (no rsID available, gnomAD 0.006%). This variant has not been reported in the literature in individuals affected with MYH11-related conditions. Invitae Evidence Modeling of protein sequence and biophysical properties (such as structural, functional, and spatial information, amino acid conservation, physicochemical variation, residue mobility, and thermodynamic stability) indicates that this missense variant is not expected to disrupt MYH11 protein function with a negative predictive value of 95%. In summary, the available evidence is currently insufficient to determine the role of this variant in disease. Therefore, it has been classified as a Variant of Uncertain Significance.